The following is an entry in ClinVar:

NM_001040716.2(PC):c.434T>C (p.Val145Ala)

Gene: PC (pyruvate carboxylase; minus strand). Cytogenetic location: 11q13.2.
Variant type: single nucleotide variant.
Coding change: c.434T>C on transcript NM_001040716.2 (MANE Select); coding-DNA position 434, T replaced by C.
Protein change: p.Val145Ala; replaces valine 145 with alanine.
Molecular consequence: missense variant.
Genome position (GRCh38, 1-based): chr11:66,871,368, A>G on the plus strand (T>C on the coding strand, the complement: PC is on the minus strand). VCF-style: chr11-66871368-A-G. GRCh37 (hg19) VCF-style: chr11-66638839-A-G.
Other names: c.434T>C, p.Val145Ala (NM_000920.4, NM_022172.3); short protein forms V145A.
Identifiers: ClinVar variation 2096 (VCV000002096.5), dbSNP rs28940591, ClinGen allele CA339940.

ClinVar aggregate classification (germline): Uncertain significance. Review status: criteria provided, single submitter (1 of 4 stars). 2 submissions from 2 submitters: Uncertain significance (1). 1 of the submissions does not count toward it. Last evaluated 2025-08-20.

Conditions:
Pyruvate carboxylase deficiency. Also called: ATAXIA WITH LACTIC ACIDOSIS II; Pyruvate Carboxylase Deficiency Disease; LEIGH NECROTIZING ENCEPHALOPATHY DUE TO PYRUVATE CARBOXYLASE DEFICIENCY; LEIGH SYNDROME DUE TO PYRUVATE CARBOXYLASE DEFICIENCY; PC DEFICIENCY. Identifiers: Orphanet 3008, MedGen C0034341, MONDO:0009949, OMIM 266150.

Submissions (2):

Myriad Genetics, Inc.
Classification: Uncertain significance for Pyruvate carboxylase deficiency. Last evaluated: 2025-08-20. Review status: criteria provided, single submitter. Criteria: Myriad Autosomal Dominant, Autosomal Recessive and X-Linked Classification Criteria (2023). Collection method: clinical testing. Allele origin: unknown.
Comment: NM_000920.3(PC):c.434T>C(V145A) is a missense variant classified as a variant of uncertain significance in the context of pyruvate carboxylase deficiency. V145A has been observed in a case with relevant disease (PMID: 9585002). Relevant functional assessments of this variant are not available in the literature. V145A has not been observed in referenced population frequency databases. In summary, there is insufficient evidence to classify NM_000920.3(PC):c.434T>C(V145A) as pathogenic or benign. Please note: this variant was assessed in the context of healthy population screening.

OMIM
Classification: Pathogenic for PYRUVATE CARBOXYLASE DEFICIENCY. Last evaluated: 1998-05-01. Review status: no assertion criteria provided. Collection method: literature only. Allele origin: germline. Not counted in ClinVar's aggregate classification.

Literature cited by the submitters: PubMed 9585002 (cited by Myriad Genetics, Inc. and OMIM).